The following is an entry in ClinVar:

ClinVar aggregate classification (germline): Benign/Likely benign. Review status: criteria provided, multiple submitters, no conflicts (2 of 4 stars). 6 submissions from 6 submitters: Benign (4); Likely benign (1). 1 of the submissions does not count toward it. Last evaluated 2026-01-26.

Conditions:
Mendelian susceptibility to mycobacterial diseases due to partial STAT1 deficiency. Also called: IMMUNODEFICIENCY 31A, MYCOBACTERIOSIS, AUTOSOMAL DOMINANT; STAT1 DEFICIENCY, AUTOSOMAL DOMINANT; Immunodeficiency 31a. Identifiers: Orphanet 319595, MedGen C4013950, MONDO:0013956, OMIM 614892.
Autoimmune enteropathy and endocrinopathy - susceptibility to chronic infections syndrome. Also called: Immunodeficiency 31C; Immunodeficiency 31C, autosomal dominant. Identifiers: Orphanet 391487, MedGen C3279990, MONDO:0013599, OMIM 614162.
Immunodeficiency 31B. Also called: IMMUNODEFICIENCY 31B, MYCOBACTERIAL AND VIRAL INFECTIONS, AUTOSOMAL RECESSIVE; STAT1 DEFICIENCY, AUTOSOMAL RECESSIVE. Identifiers: Orphanet 391311, MedGen C3151088, MONDO:0013427, OMIM 613796.
STAT1-related disorder. Also called: STAT1-related condition.

Allele frequency attached by ClinVar (database versions not stated): gnomAD 0.00465 and 0.00435; TOPMed 0.00522; ESP Exome Variant Server 0.00538; gnomAD exomes 0.00046 and 0.00113; ExAC 0.00144; 1000 Genomes Project 0.00339; 1000 Genomes Project 30x 0.00406.
gnomAD v4.1: 1,345 of 1,613,298 alleles (0.083%); highest among the groups gnomAD compares: African/African-American, 1.6%; 15 homozygotes.

Submissions (6):

Labcorp Genetics (formerly Invitae), Labcorp
Classification: Benign for Mendelian susceptibility to mycobacterial diseases due to partial STAT1 deficiency; Immunodeficiency 31B; Autoimmune enteropathy and endocrinopathy - susceptibility to chronic infections syndrome. Last evaluated: 2026-01-26. Review status: criteria provided, single submitter. Criteria: Invitae Variant Classification Sherloc (09022015). Collection method: clinical testing. Allele origin: germline.

Blueprint Genetics
Classification: Likely benign. Last evaluated: 2024-10-07. Review status: criteria provided, single submitter. Criteria: ACMG Guidelines, 2015. Collection method: clinical testing. Allele origin: germline.

Mayo Clinic Laboratories, Mayo Clinic
Classification: Benign. Last evaluated: 2020-03-23. Review status: criteria provided, single submitter. Criteria: ACMG Guidelines, 2015. Collection method: clinical testing. Allele origin: germline. Observed: 2 variant alleles.

Illumina Laboratory Services, Illumina
Classification: Benign for Mendelian susceptibility to mycobacterial diseases due to partial STAT1 deficiency. Last evaluated: 2018-01-12. Review status: criteria provided, single submitter. Criteria: ICSL Variant Classification Criteria 13 December 2019. Collection method: clinical testing. Allele origin: germline.
Comment: This variant was observed in the ICSL laboratory as part of a predisposition screen in an ostensibly healthy population. It had not been previously curated by ICSL or reported in the Human Gene Mutation Database (HGMD: prior to June 1st, 2018), and was therefore a candidate for classification through an automated scoring system. Utilizing variant allele frequency, disease prevalence and penetrance estimates, and inheritance mode, an automated score was calculated to assess if this variant is too frequent to cause the disease. Based on the score and internal cut-off values, a variant classified as benign is not then subjected to further curation. The score for this variant resulted in a classification of benign for this disease.

Breakthrough Genomics
Classification: Benign. Review status: criteria provided, single submitter. Criteria: ACMG Guidelines, 2015. Collection method: not provided. Allele origin: germline. Inheritance: Autosomal recessive inheritance. Affected: yes.

PreventionGenetics, part of Exact Sciences
Classification: Benign for STAT1-related condition. Last evaluated: 2019-07-11. Review status: no assertion criteria provided. Collection method: clinical testing. Allele origin: germline. Not counted in ClinVar's aggregate classification.
Comment: This variant is classified as benign based on ACMG/AMP sequence variant interpretation guidelines (Richards et al. 2015 PMID: 25741868, with internal and published modifications).

NM_007315.4(STAT1):c.2136T>G (p.Val712=)

Gene: STAT1 (signal transducer and activator of transcription 1; minus strand). Cytogenetic location: 2q32.2.
Variant type: single nucleotide variant.
Coding change: c.2136T>G on transcript NM_007315.4 (MANE Select); coding-DNA position 2136, T replaced by G.
Protein change: p.Val712=; no amino-acid change (valine 712 retained).
Molecular consequence: synonymous variant. On other transcripts: intron variant (2).
Genome position (GRCh38, 1-based): chr2:190,974,932, A>C on the plus strand (T>G on the coding strand, the complement: STAT1 is on the minus strand). VCF-style: chr2-190974932-A-C. GRCh37 (hg19) VCF-style: chr2-191839658-A-C.
Other names: p.Val712=; c.2076T>G, p.Val692= (NM_001384880.1); c.2142T>G, p.Val714= (NM_001384881.1); c.2130T>G, p.Val710= (NM_001384882.1); c.2037T>G, p.Val679= (NM_001384883.1); c.1977T>G, p.Val659= (NM_001384885.1); c.2160T>G, p.Val720= (NM_001384886.1); c.2043T>G, p.Val681= (NM_001384887.1); and 5 more.
Identifiers: ClinVar variation 474982 (VCV000474982.20), dbSNP rs35364817, ClinGen allele CA2029725.